The following is an entry in ClinVar:

ClinVar aggregate classification (germline): Uncertain significance (1 of 4 stars; one submission).

gnomAD v4.1: 1 of 152,218 alleles (0.00066%); highest among the groups gnomAD compares: Admixed American, 0.0065%; no homozygotes.

Submission:

Greenwood Genetic Center Diagnostic Laboratories, Greenwood Genetic Center
Classification: Uncertain significance. Last evaluated: 2025-12-31. Review status: criteria provided, single submitter. Criteria: ACMG Guidelines, 2015. Collection method: clinical testing. Allele origin: germline. Affected: yes.
Comment: PM2, BP4

NM_001384732.1(CPLANE1):c.8119+1281A>C

Gene: CPLANE1 (ciliogenesis and planar polarity effector complex subunit 1; minus strand). Cytogenetic location: 5p13.2.
Variant type: single nucleotide variant.
Coding change: c.8119+1281A>C on transcript NM_001384732.1 (MANE Select); 1281 bases into the intron after coding-DNA position 8119, A replaced by C.
Molecular consequence: intron variant.
Genome position (GRCh38, 1-based): chr5:37,156,032, T>G on the plus strand (A>C on the coding strand, the complement: CPLANE1 is on the minus strand). VCF-style: chr5-37156032-T-G. GRCh37 (hg19) VCF-style: chr5-37156134-T-G.
Other names: c.7957+1638A>C (NM_023073.4).
Identifiers: ClinVar variation 4845568 (VCV004845568.1).
Genomic context (GRCh38, chr5:37,156,032, plus strand): 5'-CTTAGCAGCCCCATGACAGAAGAGAGAAGATGAAGGCTTTAAAATCTGAAATGCTGGCAC[T>G]TGTTTGTATATGCAGCTGTTAATACACATGCCCTAACACATCCTAAACCATCCCTTCCTT-3'